The following is an entry in ClinVar:

ClinVar aggregate classification (germline): Uncertain significance (1 of 4 stars; one submission).

Conditions:
Renal cell carcinoma. Identifiers: Orphanet 217071, MedGen C0007134, MeSH D002292, MONDO:0005086, HP:0005584.

Submission:

Labcorp Genetics (formerly Invitae), Labcorp
Classification: Uncertain significance for Renal cell carcinoma. Last evaluated: 2020-07-14. Review status: criteria provided, single submitter. Criteria: Invitae Variant Classification Sherloc (09022015). Collection method: clinical testing. Allele origin: germline.
Comment: In summary, the available evidence is currently insufficient to determine the role of this variant in disease. Therefore, it has been classified as a Variant of Uncertain Significance. Algorithms developed to predict the effect of missense changes on protein structure and function are either unavailable or do not agree on the potential impact of this missense change (SIFT: "Deleterious"; PolyPhen-2: "Probably Damaging"; Align-GVGD: "Class C0"). This variant has not been reported in the literature in individuals with MET-related conditions. This variant is not present in population databases (ExAC no frequency). This sequence change replaces serine with cysteine at codon 135 of the MET protein (p.Ser135Cys). The serine residue is moderately conserved and there is a moderate physicochemical difference between serine and cysteine.

NM_000245.4(MET):c.403A>T (p.Ser135Cys)

Gene: MET (MET proto-oncogene, receptor tyrosine kinase; plus strand). Cytogenetic location: 7q31.2.
Variant type: single nucleotide variant.
Coding change: c.403A>T on transcript NM_000245.4 (MANE Select); coding-DNA position 403, A replaced by T.
Protein change: p.Ser135Cys; replaces serine 135 with cysteine.
Molecular consequence: missense variant. On other transcripts: intron variant (1).
Genome position (GRCh38, 1-based): chr7:116,699,487, A>T. VCF-style: chr7-116699487-A-T. GRCh37 (hg19) VCF-style: chr7-116339541-A-T.
Other names: c.403A>T, p.Ser135Cys (NM_001127500.3, NM_001324401.3); c.-91+26910A>T (NM_001324402.2); short protein forms S135C.
Identifiers: ClinVar variation 1027332 (VCV001027332.8), dbSNP rs1791478961, ClinGen allele CA368969003.